The following is an entry in ClinVar:

ClinVar aggregate classification (germline): Uncertain significance. Review status: criteria provided, multiple submitters, no conflicts (2 of 4 stars). 4 submissions from 4 submitters: Uncertain significance (4). Last evaluated 2026-01-09.

Conditions:
Sotos syndrome (SOTOS). Also called: CHROMOSOME 5q35 DELETION SYNDROME; SOTOS SYNDROME 1; CEREBRAL GIGANTISM; Sotos' syndrome; Distinctive facial appearance, overgrowth in childhood, and learning disabilities or delayed development. Identifiers: Orphanet 821, MedGen C0175695, MONDO:0019349, OMIM 117550.
Acute myeloid leukemia (AML). Also called: Leukemia, acute myeloid, somatic; Leukemia, acute myelogenous, somatic; Acute myeloid leukemia, adult; AML adult; Acute non-lymphocytic leukemia; Acute granulocytic leukemia. Identifiers: Orphanet 519, MedGen C0023467, MeSH D015470, MONDO:0018874, OMIM 601626, HP:0004808. Disease mechanism: Constitutively activated FLT3.

Allele frequency attached by ClinVar (database versions not stated): gnomAD 0.00001; TOPMed 0.00001.

Submissions (4):

Labcorp Genetics (formerly Invitae), Labcorp
Classification: Uncertain significance. Last evaluated: 2026-01-09. Review status: criteria provided, single submitter. Criteria: Invitae Variant Classification Sherloc (09022015). Collection method: clinical testing. Allele origin: germline.
Comment: This sequence change replaces aspartic acid, which is acidic and polar, with asparagine, which is neutral and polar, at codon 1118 of the NSD1 protein (p.Asp1118Asn). This variant is not present in population databases (gnomAD no frequency). This variant has not been reported in the literature in individuals affected with NSD1-related conditions. ClinVar contains an entry for this variant (Variation ID: 454047). Invitae Evidence Modeling of protein sequence and biophysical properties (such as structural, functional, and spatial information, amino acid conservation, physicochemical variation, residue mobility, and thermodynamic stability) indicates that this missense variant is not expected to disrupt NSD1 protein function with a negative predictive value of 95%. In summary, the available evidence is currently insufficient to determine the role of this variant in disease. Therefore, it has been classified as a Variant of Uncertain Significance.

Blueprint Genetics
Classification: Uncertain significance. Last evaluated: 2022-06-15. Review status: criteria provided, single submitter. Criteria: ACMG Guidelines, 2015. Collection method: clinical testing. Allele origin: germline.

Genome-Nilou Lab
Classification: Uncertain significance for Sotos syndrome. Last evaluated: 2021-07-15. Review status: criteria provided, single submitter. Criteria: ACMG Guidelines, 2015. Collection method: clinical testing. Allele origin: germline. Affected: no.

Fulgent Genetics
Classification: Uncertain significance for Sotos syndrome; Acute myeloid leukemia. Last evaluated: 2018-10-31. Review status: criteria provided, single submitter. Criteria: ACMG Guidelines, 2015. Collection method: clinical testing. Allele origin: unknown.

NM_022455.5(NSD1):c.3352G>A (p.Asp1118Asn)

Gene: NSD1 (nuclear receptor binding SET domain protein 1; plus strand). Cytogenetic location: 5q35.3.
Variant type: single nucleotide variant.
Coding change: c.3352G>A on transcript NM_022455.5 (MANE Select); coding-DNA position 3352, G replaced by A.
Protein change: p.Asp1118Asn; replaces aspartic acid 1118 with asparagine.
Molecular consequence: missense variant.
Genome position (GRCh38, 1-based): chr5:177,211,751, G>A. VCF-style: chr5-177211751-G-A. GRCh37 (hg19) VCF-style: chr5-176638752-G-A.
Other names: c.2479G>A, p.Asp827Asn (NM_001365684.2, NM_001409306.1, NM_001409307.1 and 3 more transcripts); c.3352G>A, p.Asp1118Asn (NM_001409301.1, NM_001409302.1, NM_001409303.1); c.2932G>A, p.Asp978Asn (NM_001409304.1); c.2599G>A, p.Asp867Asn (NM_001409305.1); short protein forms D1118N, D849N, D827N, D867N, D978N.
Identifiers: ClinVar variation 454047 (VCV000454047.14), dbSNP rs1348023231, ClinGen allele CA362323939.